The following is an entry in ClinVar:

NM_001943.5(DSG2):c.2305G>A (p.Glu769Lys)

Genes: DSG2 (desmoglein 2; plus strand), DSG2-AS1 (DSG2 antisense RNA 1; minus strand). Cytogenetic location: 18q12.1.
Variant type: single nucleotide variant.
Coding change: c.2305G>A on transcript NM_001943.5 (MANE Select); coding-DNA position 2305, G replaced by A.
Protein change: p.Glu769Lys; replaces glutamic acid 769 with lysine.
Molecular consequence: missense variant.
Genome position (GRCh38, 1-based): chr18:31,542,823, G>A. VCF-style: chr18-31542823-G-A. GRCh37 (hg19) VCF-style: chr18-29122786-G-A.
Other names: short protein forms E769K.
Identifiers: ClinVar variation 163217 (VCV000163217.26), dbSNP rs371146201, ClinGen allele CA021743.

ClinVar aggregate classification (germline): Conflicting classifications of pathogenicity. Review status: criteria provided, conflicting classifications (1 of 4 stars). 10 submissions from 10 submitters: Uncertain significance (7); Likely benign (2). 1 of the submissions does not count toward it. Last evaluated 2026-01-27.

Conditions:
DSG2-related disorder. Also called: DSG2-related condition.
Cardiovascular phenotype. Identifiers: MedGen CN230736.
Dilated cardiomyopathy 1BB (CMD1BB). Also called: CARDIOMYOPATHY, DILATED, 1BB, SUSCEPTIBILITY TO. Identifiers: Orphanet 154, MedGen C2752072, MONDO:0013030, OMIM 612877.
Arrhythmogenic right ventricular dysplasia 10. Also called: Arrhythmogenic Right Ventricular Dysplasia/Cardiomyopathy10; ARRHYTHMOGENIC RIGHT VENTRICULAR DYSPLASIA, FAMILIAL, 10; Arrhythmogenic right ventricular dysplasia/cardiomyopathy, type 10. Identifiers: MedGen C1857777, MONDO:0012434, OMIM 610193.
Cardiomyopathy (CMYO). Also called: Cardiomyopathies. Identifiers: Orphanet 167848, MedGen C0878544, MONDO:0004994, HP:0001638. Inheritance: Various modes of inheritance.
Arrhythmogenic right ventricular cardiomyopathy (ARVD). Also called: Cardiomyopathy, ARVC; Arrhythmogenic right ventricular dysplasia; Arrhythmogenic Right Ventricular Cardiomyopathy (ARVC); Arrhythmogenic cardiomyopathy. Identifiers: Orphanet 247, MedGen C0349788, MeSH D019571, MONDO:0016587. Disease mechanism: loss of function. Inheritance: Various modes of inheritance.

Allele frequency attached by ClinVar (database versions not stated): ExAC 0.00005; gnomAD exomes 0.00005; gnomAD 0.00013 and 0.00015; ESP Exome Variant Server 0.00032.
gnomAD v4.1: 57 of 1,399,638 alleles (0.0041%); highest among the groups gnomAD compares: African/African-American, 0.054%; no homozygotes.

Submissions (10):

Labcorp Genetics (formerly Invitae), Labcorp
Classification: Uncertain significance for Arrhythmogenic right ventricular dysplasia 10. Last evaluated: 2026-01-27. Review status: criteria provided, single submitter. Criteria: Invitae Variant Classification Sherloc (09022015). Collection method: clinical testing. Allele origin: germline.
Comment: This sequence change replaces glutamic acid, which is acidic and polar, with lysine, which is basic and polar, at codon 769 of the DSG2 protein (p.Glu769Lys). This variant is present in population databases (rs371146201, gnomAD 0.03%). This variant has not been reported in the literature in individuals affected with DSG2-related conditions. ClinVar contains an entry for this variant (Variation ID: 163217). Invitae Evidence Modeling of protein sequence and biophysical properties (such as structural, functional, and spatial information, amino acid conservation, physicochemical variation, residue mobility, and thermodynamic stability) indicates that this missense variant is not expected to disrupt DSG2 protein function with a negative predictive value of 95%. In summary, the available evidence is currently insufficient to determine the role of this variant in disease. Therefore, it has been classified as a Variant of Uncertain Significance.

PreventionGenetics, part of Exact Sciences
Classification: Uncertain significance for DSG2-related condition. Last evaluated: 2024-11-05. Review status: criteria provided, single submitter. Criteria: ACMG Guidelines, 2015. Collection method: clinical testing. Allele origin: germline.
Comment: The DSG2 c.2305G>A variant is predicted to result in the amino acid substitution p.Glu769Lys. To our knowledge, this variant has not been reported in the literature. This variant is reported in 0.034% of alleles in individuals of African descent in gnomAD. At this time, the clinical significance of this variant is uncertain due to the absence of conclusive functional and genetic evidence.

Color Diagnostics, LLC DBA Color Health
Classification: Likely benign for Cardiomyopathy. Last evaluated: 2024-05-03. Review status: criteria provided, single submitter. Criteria: ACMG Guidelines, 2015. Collection method: clinical testing. Allele origin: germline.

All of Us Research Program, National Institutes of Health
Classification: Uncertain significance for Arrhythmogenic right ventricular cardiomyopathy. Last evaluated: 2024-01-11. Review status: criteria provided, single submitter. Criteria: ACMG Guidelines, 2015. Collection method: clinical testing. Allele origin: germline. Inheritance: Autosomal dominant inheritance. Observed: 11 variant alleles, 11 heterozygotes.
Comment: This missense variant replaces glutamic acid with lysine at codon 769 of the DSG2 protein. Computational prediction tools and conservation analyses are inconclusive regarding the impact of this variant on the protein function. Computational splicing tools suggest that this variant may not impact RNA splicing. To our knowledge, functional assays have not been performed for this variant nor has this variant been reported in individuals affected with cardiovascular disorders in the literature. This variant has been identified in 13/245478 chromosomes in the general population by the Genome Aggregation Database (gnomAD). Available evidence is insufficient to determine the role of this variant in disease conclusively. Therefore, this variant is classified as a Variant of Uncertain Significance.

This study involves interpretation of variants in research participants for the purpose of population health screening. Participant phenotype was not available at the time of variant classification. Additional details can be found in publication PMID: 35346344, PMCID: PMC8962531

GeneDx
Classification: Uncertain significance. Last evaluated: 2023-07-12. Review status: criteria provided, single submitter. Criteria: GeneDx Variant Classification Process June 2021. Collection method: clinical testing. Allele origin: germline. Affected: yes.
Comment: In silico analysis supports that this missense variant does not alter protein structure/function; Has not been previously published as pathogenic or benign to our knowledge

Ambry Genetics
Classification: Likely benign for Cardiovascular phenotype. Last evaluated: 2022-12-09. Review status: criteria provided, single submitter. Criteria: Ambry Variant Classification Scheme 2023. Collection method: clinical testing. Allele origin: germline.

Revvity Omics, Revvity
Classification: Uncertain significance. Last evaluated: 2022-06-29. Review status: criteria provided, single submitter. Criteria: ACMG Guidelines, 2015. Collection method: clinical testing. Allele origin: germline.

Fulgent Genetics
Classification: Uncertain significance for Arrhythmogenic right ventricular dysplasia 10; Dilated cardiomyopathy 1BB. Last evaluated: 2021-10-19. Review status: criteria provided, single submitter. Criteria: ACMG Guidelines, 2015. Collection method: clinical testing. Allele origin: unknown.

Laboratory for Molecular Medicine, Mass General Brigham Personalized Medicine
Classification: Uncertain significance. Last evaluated: 2013-09-13. Review status: criteria provided, single submitter. Criteria: LMM Criteria. Collection method: clinical testing. Allele origin: germline. Observed: 1 variant allele.
Comment: The Glu769Lys variant in DSG2 has not been reported in individuals with cardiomy opathy but has been identified in 3/3994 African American chromosomes by the NHL BI Exome Sequencing Project (dbSNP rs37114620 1). Computational analyses (biochemical amino acid properties, conservation, Ali gnGVGD, PolyPhen2, and SIFT) do not provide strong support for or against an imp act to the protein. Additional information is needed to fully assess the clinica l significance of the Glu769Lys variant.

Genomic Medicine Center of Excellence, King Faisal Specialist Hospital and Research Centre
Classification: Likely pathogenic. Review status: flagged submission. Criteria: ACMG Guidelines, 2015. Collection method: research. Allele origin: germline. Affected: yes. Not counted in ClinVar's aggregate classification.
ClinVar note: Reason: Outlier claim with insufficient supporting evidence